The following is an entry in ClinVar:

ClinVar aggregate classification (germline): Uncertain significance (1 of 4 stars; one submission).

gnomAD v4.1: 3 of 1,598,088 alleles (0.00019%); highest among the groups gnomAD compares: Non-Finnish European, 0.00026%; no homozygotes.

Submission:

Women's Health and Genetics/Laboratory Corporation of America, LabCorp
Classification: Uncertain significance. Last evaluated: 2025-02-11. Review status: criteria provided, single submitter. Criteria: LabCorp Variant Classification Summary - May 2015. Collection method: clinical testing. Allele origin: germline.
Comment: Variant summary: TNXB c.3778G>A (p.Glu1260Lys) results in a conservative amino acid change in the encoded protein sequence. Five of five in-silico tools predict a benign effect of the variant on protein function. The variant was absent in 226588 control chromosomes (gnomAD). The available data on variant occurrences in the general population are insufficient to allow any conclusion about variant significance. To our knowledge, no occurrence of c.3778G>A in individuals affected with Ehlers-Danlos syndrome due to tenascin-X deficiency and no experimental evidence demonstrating its impact on protein function have been reported. No submitters have cited clinical-significance assessments for this variant to ClinVar. Based on the evidence outlined above, the variant was classified as uncertain significance.

NM_001365276.2(TNXB):c.3778G>A (p.Glu1260Lys)

Gene: TNXB (tenascin XB; minus strand). Cytogenetic location: 6p21.33.
Variant type: single nucleotide variant.
Coding change: c.3778G>A on transcript NM_001365276.2 (MANE Select); coding-DNA position 3778, G replaced by A.
Protein change: p.Glu1260Lys; replaces glutamic acid 1260 with lysine.
Molecular consequence: missense variant.
Genome position (GRCh38, 1-based): chr6:32,081,632, C>T on the plus strand (G>A on the coding strand, the complement: TNXB is on the minus strand). VCF-style: chr6-32081632-C-T. GRCh37 (hg19) VCF-style: chr6-32049409-C-T.
Other names: c.4519G>A, p.Glu1507Lys (NM_001428335.1); c.3778G>A, p.Glu1260Lys (NM_019105.8); short protein forms E1260K, E1507K.
Identifiers: ClinVar variation 3768596 (VCV003768596.1).